The following continues an entry in ClinVar:

NM_001130987.2(DYSF):c.6096dup (p.Glu2033fs)

Gene: DYSF. ClinVar aggregate classification (germline): Pathogenic. Pathogenic (1).

Submissions 12 to 16 of 16:

GeneDx
Classification: Pathogenic. Last evaluated: 2023-04-18. Review status: criteria provided, single submitter. Criteria: GeneDx Variant Classification Process June 2021. Collection method: clinical testing. Allele origin: germline. Affected: yes. Not counted in ClinVar's aggregate classification.
Comment: Published functional studies demonstrate a damaging effect resulting in decreased or absent dysferlin expression (Gallardo et al., 2011); Frameshift variant predicted to result in protein truncation or nonsense mediated decay in a gene for which loss of function is a known mechanism of disease; This variant is associated with the following publications: (PMID: 11053681, 30028523, 27447704, 32528171, 33715265, 22194990, 33610434, 35725460, 35741838, 27602406)

Laboratorio de Genetica e Diagnostico Molecular, Hospital Israelita Albert Einstein
Classification: Pathogenic for Autosomal recessive limb-girdle muscular dystrophy type 2B; Miyoshi muscular dystrophy 1; Distal myopathy with anterior tibial onset. Last evaluated: 2021-12-28. Review status: criteria provided, single submitter. Criteria: ACMG Guidelines, 2015. Collection method: clinical testing. Allele origin: germline. Affected: yes. Not counted in ClinVar's aggregate classification.
Comment: ACMG classification criteria: PVS1 very strong, PS4 strong, PM2 moderate, PM3 strong

Victorian Clinical Genetics Services, Murdoch Childrens Research Institute
Classification: Pathogenic for Autosomal recessive limb-girdle muscular dystrophy type 2B. Last evaluated: 2020-10-19. Review status: criteria provided, single submitter. Criteria: ACMG Guidelines, 2015. Collection method: clinical testing. Allele origin: germline. Inheritance: Autosomal recessive inheritance. Not counted in ClinVar's aggregate classification.
Comment: Based on the classification scheme VCGS_Germline_v1.3.3, this variant is classified as Pathogenic. Following criteria are met: 0102 - Loss of function is a known mechanism of disease in this gene and is associated with dysferlinenopathy. (I) 0106 - This gene is associated with autosomal recessive disease. (I) 0115 - Variants in this gene are known to have variable expressivity. Patients with the same genotype have been reported with different forms of myopathy, with no distinct genotype-phenotype correlation (OMIM, PMID: 27602406). 0201 - Variant is predicted to cause nonsense-mediated decay (NMD) and loss of protein (premature termination codon is located at least 54 nucleotides upstream of the final exon-exon junction). (SP) 0251 - This variant is heterozygous. (I) 0304 - Variant is present in gnomAD (v2) <0.01 for a recessive condition (14 heterozygotes, 0 homozygotes). (SP) 0701 - Other NMD-predicted variants comparable to the one identified in this case have very strong previous evidence for pathogenicity. Patients with biallelic NMD-predicted variants have been reported in many patients with dysferlinenopathy (PMID: 27602406, Decipher, ClinVar). (SP) 0801 - This variant has strong previous evidence of pathogenicity in unrelated individuals. This variant has been reported in multiple homozygous and compound heterozygous patients with dysferlinenopathies (ClinVar, PMID: 27602406). (SP) 1208 - Inheritance information for this variant is not currently available in this individual. (I) Legend: (SP) - Supporting pathogenic, (I) - Information, (SB) - Supporting benign

Eurofins Ntd Llc (ga)
Classification: Pathogenic. Last evaluated: 2015-07-14. Review status: criteria provided, single submitter. Criteria: EGL Classification Definitions. Collection method: clinical testing. Allele origin: germline. Observed: 4 variant alleles, 1 heterozygote, 2 homozygotes. Not counted in ClinVar's aggregate classification.

Counsyl
Classification: Pathogenic for Autosomal recessive limb-girdle muscular dystrophy type 2B. Last evaluated: 2017-01-06. Review status: no assertion criteria provided. Collection method: clinical testing. Allele origin: unknown. Not counted in ClinVar's aggregate classification.

Literature cited by the submitters: PubMed 22194990 (cited by 5 submitters); PubMed 17698709 (cited by 3 submitters); PubMed 20301480 (cited by Labcorp Genetics (formerly Invitae), Labcorp); PubMed 11053681 (cited by 4 submitters); PubMed 16010686 (cited by 3 submitters); PubMed 16100712 (cited by 3 submitters); PubMed 17070050 (cited by 4 submitters); PubMed 18853459 (cited by 3 submitters); PubMed 19528035 (cited by 3 submitters); PubMed 26404900 (cited by 3 submitters); PubMed 27447704 (cited by 3 submitters); PubMed 27602406 (cited by 4 submitters); PubMed 27858744 (cited by 3 submitters); PubMed 25900324 (cited by Women's Health and Genetics/Laboratory Corporation of America, LabCorp); PubMed 37526466 (cited by Athena Diagnostics); PubMed 35741838 (cited by Athena Diagnostics); PubMed 36983702 (cited by Athena Diagnostics); PubMed 14678801 (cited by Athena Diagnostics); PubMed 23757202 (cited by Eurofins Ntd Llc (ga)).